The following is an entry in ClinVar:

NM_139284.3(LGI4):c.714A>G (p.Ala238=)

Gene: LGI4 (leucine rich repeat LGI family member 4; minus strand). Cytogenetic location: 19q13.12.
Variant type: single nucleotide variant.
Coding change: c.714A>G on transcript NM_139284.3 (MANE Select); coding-DNA position 714, A replaced by G.
Protein change: p.Ala238=; no amino-acid change (alanine 238 retained).
Molecular consequence: synonymous variant.
Genome position (GRCh38, 1-based): chr19:35,126,932, T>C on the plus strand (A>G on the coding strand, the complement: LGI4 is on the minus strand). VCF-style: chr19-35126932-T-C. GRCh37 (hg19) VCF-style: chr19-35617836-T-C.
Identifiers: ClinVar variation 2649714 (VCV002649714.24), dbSNP rs754106820, ClinGen allele CA9373273.

ClinVar aggregate classification (germline): Likely benign (1 of 4 stars; one submission).

Allele frequency attached by ClinVar (database versions not stated): gnomAD exomes below 0.00001; TOPMed below 0.00001; ExAC 0.00001.
gnomAD v4.1: 2 of 1,613,780 alleles (0.00012%); highest among the groups gnomAD compares: Non-Finnish European, 0.00017%; no homozygotes.

Submission:

CeGaT Center for Human Genetics Tuebingen
Classification: Likely benign. Last evaluated: 2023-06-01. Review status: criteria provided, single submitter. Criteria: CeGaT Center For Human Genetics Tuebingen Variant Classification Criteria Version 2. Collection method: clinical testing. Allele origin: germline. Affected: yes. Observed: 1 variant allele.
Comment: LGI4: BP4, BP7